The following is an entry in ClinVar:

NM_030787.4(CFHR5):c.1586T>G (p.Leu529Arg)

Gene: CFHR5 (complement factor H related 5; plus strand). Cytogenetic location: 1q31.3.
Variant type: single nucleotide variant.
Coding change: c.1586T>G on transcript NM_030787.4 (MANE Select); coding-DNA position 1586, T replaced by G.
Protein change: p.Leu529Arg; replaces leucine 529 with arginine.
Molecular consequence: missense variant.
Genome position (GRCh38, 1-based): chr1:197,008,559, T>G. VCF-style: chr1-197008559-T-G. GRCh37 (hg19) VCF-style: chr1-196977689-T-G.
Other names: short protein forms L529R.
Identifiers: ClinVar variation 294551 (VCV000294551.16), dbSNP rs16840956, ClinGen allele CA1308125.
Genomic context (GRCh38, chr1:197,008,559, plus strand): 5'-TATCTGAAGAAAACATGAACAAAAATAACATACAGTTAAAATGGAGAAACGATGGAAAAC[T>G]CTATGCAAAAACAGGGGATGCTGTTGAATTCCAGTGTAAATTCCCACATAAAGCGATGAT-3'
Protein context (NP_110414.1, residues 519-539): IQLKWRNDGK[Leu529Arg]YAKTGDAVEF

ClinVar aggregate classification (germline): Benign/Likely benign. Review status: criteria provided, multiple submitters, no conflicts (2 of 4 stars). 6 submissions from 6 submitters: Benign (4); Likely benign (2). Last evaluated 2026-01-24.

Conditions:
CFHR5 deficiency. Identifiers: MedGen C3553720.
CFH-Related Dense Deposit Disease / Membranoproliferative Glomerulonephritis Type II. Identifiers: MedGen CN071292.

Allele frequency attached by ClinVar (database versions not stated): gnomAD exomes 0.00030 and 0.00091; ExAC 0.00105; 1000 Genomes Project 30x 0.00250; 1000 Genomes Project 0.00260; gnomAD 0.00359 and 0.00386; TOPMed 0.00414; ESP Exome Variant Server 0.00507.
gnomAD v4.1: 1,002 of 1,613,584 alleles (0.062%); highest among the groups gnomAD compares: African/African-American, 1.2%; 3 homozygotes.

Submissions (6):

Labcorp Genetics (formerly Invitae), Labcorp
Classification: Benign. Last evaluated: 2026-01-24. Review status: criteria provided, single submitter. Criteria: Invitae Variant Classification Sherloc (09022015). Collection method: clinical testing. Allele origin: germline.

Women's Health and Genetics/Laboratory Corporation of America, LabCorp
Classification: Likely benign. Last evaluated: 2026-01-22. Review status: criteria provided, single submitter. Criteria: LabCorp Variant Classification Summary - May 2015. Collection method: clinical testing. Allele origin: germline.

Blueprint Genetics
Classification: Likely benign. Last evaluated: 2024-06-11. Review status: criteria provided, single submitter. Criteria: ACMG Guidelines, 2015. Collection method: clinical testing. Allele origin: germline.

Mayo Clinic Laboratories, Mayo Clinic
Classification: Benign. Last evaluated: 2024-03-06. Review status: criteria provided, single submitter. Criteria: ACMG Guidelines, 2015. Collection method: clinical testing. Allele origin: germline. Observed: 17 variant alleles.
Comment: BS1, BS2, BP4

Genome-Nilou Lab
Classification: Benign for C3 glomerulonephritis. Last evaluated: 2023-04-11. Review status: criteria provided, single submitter. Criteria: ACMG Guidelines, 2015. Collection method: clinical testing. Allele origin: germline. Affected: no.

Illumina Laboratory Services, Illumina
Classification: Benign for Membranoproliferative glomerulonephritis with complement factor h deficiency. Last evaluated: 2018-01-13. Review status: criteria provided, single submitter. Criteria: ICSL Variant Classification Criteria 13 December 2019. Collection method: clinical testing. Allele origin: germline.
Comment: This variant was observed in the ICSL laboratory as part of a predisposition screen in an ostensibly healthy population. It had not been previously curated by ICSL or reported in the Human Gene Mutation Database (HGMD: prior to June 1st, 2018), and was therefore a candidate for classification through an automated scoring system. Utilizing variant allele frequency, disease prevalence and penetrance estimates, and inheritance mode, an automated score was calculated to assess if this variant is too frequent to cause the disease. Based on the score and internal cut-off values, a variant classified as benign is not then subjected to further curation. The score for this variant resulted in a classification of benign for this disease.